The following is an entry in ClinVar:

NM_001168221.2(CATSPERT):c.3978G>C (p.Gln1326His)

Gene: CATSPERT (catsper channel auxiliary subunit tau; minus strand). Cytogenetic location: 2q33.1.
Variant type: single nucleotide variant.
Coding change: c.3978G>C on transcript NM_001168221.2 (MANE Select); coding-DNA position 3978, G replaced by C.
Protein change: p.Gln1326His; replaces glutamine 1326 with histidine.
Molecular consequence: missense variant. On other transcripts: intron variant (2).
Genome position (GRCh38, 1-based): chr2:201,492,363, C>G on the plus strand (G>C on the coding strand, the complement: CATSPERT is on the minus strand). VCF-style: chr2-201492363-C-G. GRCh37 (hg19) VCF-style: chr2-202357086-C-G.
Other names: c.*49+3532G>C (NM_001168216.2); c.1581+3532G>C (NM_152525.6); short protein forms Q1326H.
Identifiers: ClinVar variation 2651818 (VCV002651818.24), dbSNP rs140682631, ClinGen allele CA2055578.

ClinVar aggregate classification (germline): Benign (1 of 4 stars; one submission).

Allele frequency attached by ClinVar (database versions not stated): 1000 Genomes Project 30x 0.00234; 1000 Genomes Project 0.00260; ExAC 0.00804.
gnomAD v4.1: 16,026 of 1,534,982 alleles (1%); highest among the groups gnomAD compares: Non-Finnish European, 1.2%; 99 homozygotes.

Submission:

CeGaT Center for Human Genetics Tuebingen
Classification: Benign. Last evaluated: 2024-09-01. Review status: criteria provided, single submitter. Criteria: CeGaT Center For Human Genetics Tuebingen Variant Classification Criteria Version 2. Collection method: clinical testing. Allele origin: germline. Affected: yes. Observed: 4 variant alleles.
Comment: CATSPERT: BP4, BS1, BS2